The following is an entry in ClinVar:

ClinVar aggregate classification (germline): Uncertain significance (1 of 4 stars; one submission).

Allele frequency attached by ClinVar (database versions not stated): gnomAD exomes below 0.00001; gnomAD 0.00001; TOPMed 0.00002.
gnomAD v4.1: 19 of 1,614,084 alleles (0.0012%); highest among the groups gnomAD compares: Non-Finnish European, 0.0016%; no homozygotes.

Submission:

Labcorp Genetics (formerly Invitae), Labcorp
Classification: Uncertain significance. Last evaluated: 2025-01-08. Review status: criteria provided, single submitter. Criteria: Invitae Variant Classification Sherloc (09022015). Collection method: clinical testing. Allele origin: germline.
Comment: This sequence change replaces aspartic acid, which is acidic and polar, with glutamic acid, which is acidic and polar, at codon 208 of the SLC16A1 protein (p.Asp208Glu). This variant is present in population databases (no rsID available, gnomAD 0.002%). This variant has not been reported in the literature in individuals affected with SLC16A1-related conditions. ClinVar contains an entry for this variant (Variation ID: 1441149). An algorithm developed to predict the effect of missense changes on protein structure and function outputs the following: PolyPhen-2: "Benign". The glutamic acid amino acid residue is found in multiple mammalian species, which suggests that this missense change does not adversely affect protein function. In summary, the available evidence is currently insufficient to determine the role of this variant in disease. Therefore, it has been classified as a Variant of Uncertain Significance.

NM_003051.4(SLC16A1):c.624T>A (p.Asp208Glu)

Gene: SLC16A1 (solute carrier family 16 member 1; minus strand). Cytogenetic location: 1p13.2.
Variant type: single nucleotide variant.
Coding change: c.624T>A on transcript NM_003051.4 (MANE Select); coding-DNA position 624, T replaced by A.
Protein change: p.Asp208Glu; replaces aspartic acid 208 with glutamic acid.
Molecular consequence: missense variant.
Genome position (GRCh38, 1-based): chr1:112,917,782, A>T on the plus strand (T>A on the coding strand, the complement: SLC16A1 is on the minus strand). VCF-style: chr1-112917782-A-T. GRCh37 (hg19) VCF-style: chr1-113460404-A-T.
Other names: c.624T>A, p.Asp208Glu (NM_001166496.2); short protein forms D208E.
Identifiers: ClinVar variation 1441149 (VCV001441149.8), dbSNP rs879064955, ClinGen allele CA29390960.